The following is an entry in ClinVar:

ClinVar aggregate classification (germline): Uncertain significance (1 of 4 stars; one submission).

Conditions:
Retinitis pigmentosa 18 (RP18). Also called: PRPF 3-Related Retinitis Pigmentosa. Identifiers: Orphanet 791, MedGen C1832378, MONDO:0011075, OMIM 601414.

Allele frequency attached by ClinVar (database versions not stated): gnomAD exomes below 0.00001.
gnomAD v4.1: 1 of 1,614,024 alleles (0.000062%); highest among the groups gnomAD compares: Non-Finnish European, 0.000085%; no homozygotes.

Submission:

Centre for Mendelian Genomics, University Medical Centre Ljubljana
Classification: Uncertain significance for Retinitis pigmentosa 18. Last evaluated: 2019-10-15. Review status: criteria provided, single submitter. Criteria: ACMG Guidelines, 2015. Collection method: clinical testing. Allele origin: unknown. Affected: yes.
Comment: This variant was classified as: Uncertain significance. The available evidence on this variant's pathogenicity is insufficient or conflicting. The following ACMG criteria were applied in classifying this variant: PM2,PP3.

NM_004698.4(PRPF3):c.500C>T (p.Thr167Ile)

Gene: PRPF3 (pre-mRNA processing factor 3; plus strand). Cytogenetic location: 1q21.2.
Variant type: single nucleotide variant.
Coding change: c.500C>T on transcript NM_004698.4 (MANE Select); coding-DNA position 500, C replaced by T.
Protein change: p.Thr167Ile; replaces threonine 167 with isoleucine.
Molecular consequence: missense variant. On other transcripts: non-coding transcript variant (4).
Genome position (GRCh38, 1-based): chr1:150,332,760, C>T. VCF-style: chr1-150332760-C-T. GRCh37 (hg19) VCF-style: chr1-150305231-C-T.
Other names: c.95C>T, p.Thr32Ile (NM_001350529.1); short protein forms T167I, T32I.
Identifiers: ClinVar variation 930598 (VCV000930598.3), dbSNP rs1656552502, ClinGen allele CA342291042.
Genomic context (GRCh38, chr1:150,332,760, plus strand): 5'-AGGCAGCAACACGACAAATCGAGGAGAGGAAAAAACAGCTGAGCTTCATTAGCCCCCCTA[C>T]ACCTCAGGTATTGTGTCTAGATTACTCTGAACAGAATAATCTTTGGCACAGAATTTCTTG-3'
Protein context (NP_004689.1, residues 157-177): KKQLSFISPP[Thr167Ile]PQPKTPSSSQ